The following is an entry in ClinVar:

ClinVar aggregate classification (germline): Uncertain significance (1 of 4 stars; one submission).

Conditions:
Christianson syndrome (MRXSCH). Also called: X-linked mental retardation, syndromic, Christianson type; SLC9A6-Related Syndromic Mental Retardation; INTELLECTUAL DEVELOPMENTAL DISORDER, X-LINKED, SYNDROMIC, CHRISTIANSON TYPE. Identifiers: Orphanet 85278, MedGen C2678194, MONDO:0010278, OMIM 300243.

Submission:

Labcorp Genetics (formerly Invitae), Labcorp
Classification: Uncertain significance for Christianson syndrome. Last evaluated: 2025-12-21. Review status: criteria provided, single submitter. Criteria: Invitae Variant Classification Sherloc (09022015). Collection method: clinical testing. Allele origin: germline.
Comment: This sequence change replaces serine, which is neutral and polar, with isoleucine, which is neutral and non-polar, at codon 166 of the SLC9A6 protein (p.Ser166Ile). This variant is not present in population databases (gnomAD no frequency). This variant has not been reported in the literature in individuals affected with SLC9A6-related conditions. Invitae Evidence Modeling of protein sequence and biophysical properties (such as structural, functional, and spatial information, amino acid conservation, physicochemical variation, residue mobility, and thermodynamic stability) has been performed for this missense variant. However, the output from this modeling did not meet the statistical confidence thresholds required to predict the impact of this variant on SLC9A6 protein function. In summary, the available evidence is currently insufficient to determine the role of this variant in disease. Therefore, it has been classified as a Variant of Uncertain Significance.

NM_001379110.1(SLC9A6):c.437G>T (p.Ser146Ile)

Gene: SLC9A6 (solute carrier family 9 member A6; plus strand). Cytogenetic location: Xq26.3.
Variant type: single nucleotide variant.
Coding change: c.437G>T on transcript NM_001379110.1 (MANE Select); coding-DNA position 437, G replaced by T.
Protein change: p.Ser146Ile; replaces serine 146 with isoleucine.
Molecular consequence: missense variant.
Genome position (GRCh38, 1-based): chrX:135,998,175, G>T. VCF-style: chrX-135998175-G-T. GRCh37 (hg19) VCF-style: chrX-135080334-G-T.
Other names: c.437G>T, p.Ser146Ile (NM_001400909.1, NM_001400910.1, NM_001400911.1 and 2 more transcripts); c.341G>T, p.Ser114Ile (NM_001400913.1, NM_001330652.2); c.593G>T, p.Ser198Ile (NM_001438742.1, NM_001042537.2); c.497G>T, p.Ser166Ile (NM_006359.3); short protein forms S166I, S114I, S198I, S146I.
Identifiers: ClinVar variation 4737027 (VCV004737027.1).